The following is an entry in ClinVar:

NM_001999.4(FBN2):c.6911A>G (p.Asp2304Gly)

Gene: FBN2 (fibrillin 2; minus strand). Cytogenetic location: 5q23.3.
Variant type: single nucleotide variant.
Coding change: c.6911A>G on transcript NM_001999.4 (MANE Select); coding-DNA position 6911, A replaced by G.
Protein change: p.Asp2304Gly; replaces aspartic acid 2304 with glycine.
Molecular consequence: missense variant.
Genome position (GRCh38, 1-based): chr5:128,286,819, T>C on the plus strand (A>G on the coding strand, the complement: FBN2 is on the minus strand). VCF-style: chr5-128286819-T-C. GRCh37 (hg19) VCF-style: chr5-127622511-T-C.
Other names: short protein forms D2304G.
Identifiers: ClinVar variation 1954580 (VCV001954580.5), dbSNP rs1749165262, ClinGen allele CA360759140.

ClinVar aggregate classification (germline): Uncertain significance (1 of 4 stars; one submission).

Conditions:
Congenital contractural arachnodactyly (CCA). Also called: BEALS SYNDROME; Arthrogryposis, distal, type 9; Beals-Hecht syndrome. Identifiers: Orphanet 115, MedGen C0220668, MONDO:0007363, OMIM 121050.

Allele frequency attached by ClinVar (database versions not stated): gnomAD exomes below 0.00001; TOPMed below 0.00001.
gnomAD v4.1: 1 of 1,614,054 alleles (0.000062%); highest among the groups gnomAD compares: Admixed American, 0.0017%; no homozygotes.

Submission:

Labcorp Genetics (formerly Invitae), Labcorp
Classification: Uncertain significance for Congenital contractural arachnodactyly. Last evaluated: 2022-07-14. Review status: criteria provided, single submitter. Criteria: Invitae Variant Classification Sherloc (09022015). Collection method: clinical testing. Allele origin: germline.
Comment: In summary, the available evidence is currently insufficient to determine the role of this variant in disease. Therefore, it has been classified as a Variant of Uncertain Significance. Advanced modeling of protein sequence and biophysical properties (such as structural, functional, and spatial information, amino acid conservation, physicochemical variation, residue mobility, and thermodynamic stability) performed at Invitae indicates that this missense variant is not expected to disrupt FBN2 protein function. This variant has not been reported in the literature in individuals affected with FBN2-related conditions. This variant is not present in population databases (gnomAD no frequency). This sequence change replaces aspartic acid, which is acidic and polar, with glycine, which is neutral and non-polar, at codon 2304 of the FBN2 protein (p.Asp2304Gly).